The following is an entry in ClinVar:

ClinVar aggregate classification (germline): Benign/Likely benign. Review status: criteria provided, multiple submitters, no conflicts (2 of 4 stars). 4 submissions from 4 submitters: Benign (2); Likely benign (2). Last evaluated 2024-10-22.

Conditions:
Inborn genetic diseases. Identifiers: MedGen C0950123, MeSH D030342.
Koolen-de Vries syndrome (KDVS). Identifiers: Orphanet 96169, MedGen C1864871, MONDO:0012496, OMIM 610443.

Allele frequency attached by ClinVar (database versions not stated): ESP Exome Variant Server 0.00023; gnomAD exomes 0.00037; gnomAD 0.00038; 1000 Genomes Project 0.00040; ExAC 0.00042; 1000 Genomes Project 30x 0.00047.

Submissions (4):

Labcorp Genetics (formerly Invitae), Labcorp
Classification: Benign for Koolen-de Vries syndrome. Last evaluated: 2024-10-22. Review status: criteria provided, single submitter. Criteria: Invitae Variant Classification Sherloc (09022015). Collection method: clinical testing. Allele origin: germline.

Ambry Genetics
Classification: Likely benign for Inborn genetic diseases. Last evaluated: 2024-05-22. Review status: criteria provided, single submitter. Criteria: Ambry Variant Classification Scheme 2023. Collection method: clinical testing. Allele origin: germline.

Fulgent Genetics
Classification: Likely benign for Koolen-de Vries syndrome. Last evaluated: 2021-11-19. Review status: criteria provided, single submitter. Criteria: ACMG Guidelines, 2015. Collection method: clinical testing. Allele origin: unknown.

GeneDx
Classification: Benign. Last evaluated: 2021-02-16. Review status: criteria provided, single submitter. Criteria: GeneDx Variant Classification Process June 2021. Collection method: clinical testing. Allele origin: germline. Affected: yes.
Comment: This variant is associated with the following publications: (PMID: 22544363, 29352316)

NM_015443.4(KANSL1):c.635A>G (p.His212Arg)

Gene: KANSL1 (KAT8 regulatory NSL complex subunit 1). Cytogenetic location: 17q21.31.
Variant type: single nucleotide variant.
Coding change: c.635A>G on transcript NM_015443.4 (MANE Select); coding-DNA position 635, A replaced by G.
Protein change: p.His212Arg; replaces histidine 212 with arginine.
Molecular consequence: missense variant.
Genome position (GRCh38, 1-based): chr17:46,171,509, T>C on the plus strand (A>G on the coding strand, the complement: KANSL1 is on the minus strand). VCF-style: chr17-46171509-T-C. GRCh37 (hg19) VCF-style: chr17-44248875-T-C.
Other names: p.H212R:CAT>CGT; c.635A>G, p.His212Arg (NM_001193465.2, NM_001193466.2, NM_001379198.1); short protein forms H212R.
Identifiers: ClinVar variation 205772 (VCV000205772.15), dbSNP rs141110759, ClinGen allele CA315170.
Genomic context (GRCh38, chr17:46,171,509, plus strand): 5'-GATTTGTTTGCAGTGCTATTATTGCTATACAAAGTTGTGTGTTCTACATCAAGGCTTCTA[T>C]GTGGAAGAGTGCAATTGGTCATACCCCCCTTCAAGTCCCCAGATTCAGATCCTCCCATTT-3'
Protein context (NP_056258.1, residues 202-222): KGGMTNCTLP[His212Arg]RSLDVEHTTL